The following is an entry in ClinVar:

NC_000003.12:g.169764983C>A

Genes: TERC (telomerase RNA component; minus strand), LOC110806306 (telomerase RNA component (TERC) promoter; plus strand). Cytogenetic location: 3q26.2.
Variant type: single nucleotide variant.
Genome position: GRCh38 VCF-style: chr3-169764983-C-A. GRCh37 (hg19) VCF-style: chr3-169482771-C-A.
Identifiers: ClinVar variation 2761109 (VCV002761109.3), dbSNP rs2108183319, ClinGen allele CA436715872.

ClinVar aggregate classification (germline): Uncertain significance (1 of 4 stars; one submission).

Conditions:
Dyskeratosis congenita, autosomal dominant 1 (DKCA1). Also called: Dyskeratosis congenita Scoggins type. Identifiers: Orphanet 1775, MedGen C4551974, MONDO:0007485, OMIM 127550. Inheritance: Variable.

Submission:

Labcorp Genetics (formerly Invitae), Labcorp
Classification: Uncertain significance for Dyskeratosis congenita, autosomal dominant 1. Last evaluated: 2023-01-09. Review status: criteria provided, single submitter. Criteria: Invitae Variant Classification Sherloc (09022015). Collection method: clinical testing. Allele origin: germline.
Comment: This variant is located within the template/pseudoknot domain of the TERC RNA component, which is required for RNA or RNP stability (PMID: 15082312, 21844345). In summary, the available evidence is currently insufficient to determine the role of this variant in disease. Therefore, it has been classified as a Variant of Uncertain Significance. This variant is located in a region of TERC in which a significant number of disease causing variants have been reported (PMID: 15082312, 21844345, 21931702). These observations suggest that this may be a clinically significant region. This variant has not been reported in the literature in individuals affected with TERC-related conditions. This variant is not present in population databases (gnomAD no frequency). This variant occurs in the TERC gene, which encodes an RNA molecule that does not result in a protein product.

Literature cited by the submitters: PubMed 15082312; PubMed 21844345; PubMed 21931702.